The following is an entry in ClinVar:

NM_032120.4(RBM48):c.70C>T (p.Arg24Trp)

Genes: RBM48 (RNA binding motif protein 48; plus strand), LOC129998797 (ATAC-STARR-seq lymphoblastoid active region 26262; plus strand). Cytogenetic location: 7q21.2.
Variant type: single nucleotide variant.
Coding change: c.70C>T on transcript NM_032120.4 (MANE Select); coding-DNA position 70, C replaced by T.
Protein change: p.Arg24Trp; replaces arginine 24 with tryptophan.
Molecular consequence: missense variant. On other transcripts: 5 prime UTR variant (1).
Genome position (GRCh38, 1-based): chr7:92,528,883, C>T. VCF-style: chr7-92528883-C-T. GRCh37 (hg19) VCF-style: chr7-92158197-C-T.
Other names: c.70C>T, p.Arg24Trp (NM_001363366.1); c.-620C>T (NM_001363367.1); short protein forms R24W.
Identifiers: ClinVar variation 1435189 (VCV001435189.6), dbSNP rs868085721, ClinGen allele CA161982375.

ClinVar aggregate classification (germline): Uncertain significance (1 of 4 stars; one submission).

Submission:

Labcorp Genetics (formerly Invitae), Labcorp
Classification: Uncertain significance. Last evaluated: 2022-06-05. Review status: criteria provided, single submitter. Criteria: Invitae Variant Classification Sherloc (09022015). Collection method: clinical testing. Allele origin: germline.
Comment: This sequence change replaces arginine, which is basic and polar, with tryptophan, which is neutral and slightly polar, at codon 24 of the RBM48 protein (p.Arg24Trp). This variant is not present in population databases (gnomAD no frequency). This variant has not been reported in the literature in individuals affected with RBM48-related conditions. ClinVar contains an entry for this variant (Variation ID: 1435189). Algorithms developed to predict the effect of missense changes on protein structure and function are either unavailable or do not agree on the potential impact of this missense change (SIFT: "Not Available"; PolyPhen-2: "Benign"; Align-GVGD: "Not Available"). In summary, the available evidence is currently insufficient to determine the role of this variant in disease. Therefore, it has been classified as a Variant of Uncertain Significance.